The following is an entry in ClinVar:

NM_000020.3(ACVRL1):c.543_544del (p.Asp181fs)

Gene: ACVRL1 (activin A receptor like type 1; plus strand). Cytogenetic location: 12q13.13.
Variant type: Deletion.
Coding change: c.543_544del on transcript NM_000020.3 (MANE Select); coding-DNA positions 543 to 544, 2 bases deleted (CT; older notation c.543_544delCT).
Protein change: p.Asp181fs; shifts the reading frame from aspartic acid 181.
Molecular consequence: frameshift variant. On other transcripts: intron variant (6).
Genome position (GRCh38, 1-based): chr12:51,913,991-51,913,992, CT deleted. VCF-style (leftmost placement, unchanged base first): chr12-51913990-ACT-A. GRCh37 (hg19) VCF-style: chr12-52307774-ACT-A.
Other names: p.Asp181Glufs*43; c.543_544del, p.Asp181fs (NM_001077401.2, NM_001406487.1, NM_001406488.1 and 1 more transcripts); c.314-448_314-447del (NM_001406491.1, NM_001406490.1, NM_001406492.1 and 2 more transcripts); c.62-448_62-447del (NM_001406495.1); short protein forms D181fs.
Identifiers: ClinVar variation 2683668 (VCV002683668.1), dbSNP rs2540161536, ClinGen allele CA2697559268.

ClinVar aggregate classification (germline): Pathogenic (1 of 4 stars; one submission).

Submission:

Mayo Clinic Laboratories, Mayo Clinic
Classification: Pathogenic. Last evaluated: 2023-03-28. Review status: criteria provided, single submitter. Criteria: ACMG Guidelines, 2015. Collection method: clinical testing. Allele origin: germline. Observed: 1 variant allele.
Comment: PP4, PM2_supporting, PVS1